The following is an entry in ClinVar:

NM_000492.4(CFTR):c.988G>C (p.Gly330Arg)

Gene: CFTR (CF transmembrane conductance regulator; plus strand). Cytogenetic location: 7q31.2.
Variant type: single nucleotide variant.
Coding change: c.988G>C on transcript NM_000492.4 (MANE Select); coding-DNA position 988, G replaced by C.
Protein change: p.Gly330Arg; replaces glycine 330 with arginine.
Molecular consequence: missense variant.
Genome position (GRCh38, 1-based): chr7:117,540,218, G>C. VCF-style: chr7-117540218-G-C. GRCh37 (hg19) VCF-style: chr7-117180272-G-C.
Other names: short protein forms G330R.
Identifiers: ClinVar variation 3266644 (VCV003266644.1).

ClinVar aggregate classification (germline): Uncertain significance (1 of 4 stars; one submission).

Conditions:
Cystic fibrosis (CF). Also called: MUCOVISCIDOSIS. Identifiers: Orphanet 586, MedGen C0010674, MONDO:0009061, OMIM 219700. Disease mechanism: loss of function.

Submission:

Ambry Genetics
Classification: Uncertain significance for Cystic fibrosis. Last evaluated: 2024-03-21. Review status: criteria provided, single submitter. Criteria: Ambry Variant Classification Scheme 2023. Collection method: clinical testing. Allele origin: germline.
Comment: The p.G330R variant (also known as c.988G>C), located in coding exon 8 of the CFTR gene, results from a G to C substitution at nucleotide position 988. The glycine at codon 330 is replaced by arginine, an amino acid with dissimilar properties. This amino acid position is conserved. In addition, the in silico prediction for this alteration is inconclusive. Based on the available evidence, the clinical significance of this alteration remains unclear.